The following is an entry in ClinVar:

NM_021942.6(TRAPPC11):c.2162G>A (p.Arg721Gln)

Gene: TRAPPC11 (trafficking protein particle complex subunit 11; plus strand). Cytogenetic location: 4q35.1.
Variant type: single nucleotide variant.
Coding change: c.2162G>A on transcript NM_021942.6 (MANE Select); coding-DNA position 2162, G replaced by A.
Protein change: p.Arg721Gln; replaces arginine 721 with glutamine.
Molecular consequence: missense variant.
Genome position (GRCh38, 1-based): chr4:183,693,072, G>A. VCF-style: chr4-183693072-G-A. GRCh37 (hg19) VCF-style: chr4-184614225-G-A.
Other names: c.2162G>A, p.Arg721Gln (NM_199053.3); short protein forms R721Q.
Identifiers: ClinVar variation 1418144 (VCV001418144.7), dbSNP rs777361172, ClinGen allele CA3152117.

ClinVar aggregate classification (germline): Uncertain significance. Review status: criteria provided, multiple submitters, no conflicts (2 of 4 stars). 2 submissions from 2 submitters: Uncertain significance (2). Last evaluated 2024-10-08.

Conditions:
Autosomal recessive limb-girdle muscular dystrophy type R18 (LGMDR18). Also called: Limb-girdle muscular dystrophy, type 2S; MUSCULAR DYSTROPHY, LIMB-GIRDLE, AUTOSOMAL RECESSIVE 18; Autosomal recessive limb-girdle muscular dystrophy type 2S. Identifiers: Orphanet 369840, MedGen C4517996, MONDO:0014144, OMIM 615356.

Allele frequency attached by ClinVar (database versions not stated): TOPMed 0.00001; gnomAD 0.00002.
gnomAD v4.1: 19 of 1,613,044 alleles (0.0012%); highest among the groups gnomAD compares: Middle Eastern, 0.016%; no homozygotes.

Submissions (2):

Revvity Omics, Revvity
Classification: Uncertain significance for Autosomal recessive limb-girdle muscular dystrophy type R18. Last evaluated: 2024-10-08. Review status: criteria provided, single submitter. Criteria: ACMG Guidelines, 2015. Collection method: clinical testing. Allele origin: germline.

Labcorp Genetics (formerly Invitae), Labcorp
Classification: Uncertain significance for Autosomal recessive limb-girdle muscular dystrophy type R18. Last evaluated: 2022-05-27. Review status: criteria provided, single submitter. Criteria: Invitae Variant Classification Sherloc (09022015). Collection method: clinical testing. Allele origin: germline.
Comment: Algorithms developed to predict the effect of missense changes on protein structure and function are either unavailable or do not agree on the potential impact of this missense change (SIFT: "Tolerated"; PolyPhen-2: "Possibly Damaging"; Align-GVGD: "Class C0"). This variant has not been reported in the literature in individuals affected with TRAPPC11-related conditions. This variant is present in population databases (rs777361172, gnomAD 0.006%). This sequence change replaces arginine, which is basic and polar, with glutamine, which is neutral and polar, at codon 721 of the TRAPPC11 protein (p.Arg721Gln). In summary, the available evidence is currently insufficient to determine the role of this variant in disease. Therefore, it has been classified as a Variant of Uncertain Significance.